The following is an entry in ClinVar:

NM_018474.6(KIZ):c.1277A>G (p.Glu426Gly)

Gene: KIZ (kizuna centrosomal protein; plus strand). Cytogenetic location: 20p11.23.
Variant type: single nucleotide variant.
Coding change: c.1277A>G on transcript NM_018474.6 (MANE Select); coding-DNA position 1277, A replaced by G.
Protein change: p.Glu426Gly; replaces glutamic acid 426 with glycine.
Molecular consequence: missense variant.
Genome position (GRCh38, 1-based): chr20:21,163,084, A>G. VCF-style: chr20-21163084-A-G. GRCh37 (hg19) VCF-style: chr20-21143725-A-G.
Other names: c.968A>G, p.Glu323Gly (NM_001163022.3, NM_001352435.2); c.878A>G, p.Glu293Gly (NM_001163023.3); c.1130A>G, p.Glu377Gly (NM_001276389.2); c.1277A>G, p.Glu426Gly (NM_001352434.2); c.935A>G, p.Glu312Gly (NM_001352436.2); c.1277A>G (NM_018474.5); short protein forms E312G, E377G, E293G, E323G, E426G.
Identifiers: ClinVar variation 942505 (VCV000942505.11), dbSNP rs534840981, ClinGen allele CA9784806.

ClinVar aggregate classification (germline): Conflicting classifications of pathogenicity. Review status: criteria provided, conflicting classifications (1 of 4 stars). 4 submissions from 4 submitters: Uncertain significance (3); Likely benign (1). Last evaluated 2026-03-28.

Conditions:
KIZ-related disorder. Also called: KIZ-related condition.

Allele frequency attached by ClinVar (database versions not stated): gnomAD exomes 0.00005 and 0.00018; ExAC 0.00012; gnomAD 0.00017; 1000 Genomes Project 0.00020; TOPMed 0.00022; 1000 Genomes Project 30x 0.00031.
gnomAD v4.1: 107 of 1,613,528 alleles (0.0066%); highest among the groups gnomAD compares: Admixed American, 0.12%; no homozygotes.

Submissions (4):

PreventionGenetics, part of Exact Sciences
Classification: Uncertain significance for KIZ-related condition. Last evaluated: 2026-03-28. Review status: criteria provided, single submitter. Criteria: ACMG Guidelines, 2015. Collection method: clinical testing. Allele origin: germline.
Comment: The KIZ c.1277A>G variant is predicted to result in the amino acid substitution p.Glu426Gly. To our knowledge, this variant has not been reported in the literature. This variant is reported in 0.11% of alleles in individuals of Latino descent in gnomAD, which is likely too frequent to be a primary cause of disease. Although we suspect that this variant may be benign, at this time, the clinical significance of this variant is uncertain due to the absence of conclusive functional and genetic evidence.

Labcorp Genetics (formerly Invitae), Labcorp
Classification: Uncertain significance. Last evaluated: 2025-01-10. Review status: criteria provided, single submitter. Criteria: Invitae Variant Classification Sherloc (09022015). Collection method: clinical testing. Allele origin: germline.
Comment: This sequence change replaces glutamic acid, which is acidic and polar, with glycine, which is neutral and non-polar, at codon 426 of the KIZ protein (p.Glu426Gly). This variant is present in population databases (rs534840981, gnomAD 0.1%). This variant has not been reported in the literature in individuals affected with KIZ-related conditions. ClinVar contains an entry for this variant (Variation ID: 942505). An algorithm developed to predict the effect of missense changes on protein structure and function outputs the following: PolyPhen-2: "Not Available". The glycine amino acid residue is found in multiple mammalian species, which suggests that this missense change does not adversely affect protein function. In summary, the available evidence is currently insufficient to determine the role of this variant in disease. Therefore, it has been classified as a Variant of Uncertain Significance.

Blueprint Genetics
Classification: Likely benign. Last evaluated: 2024-09-09. Review status: criteria provided, single submitter. Criteria: ACMG Guidelines, 2015. Collection method: clinical testing. Allele origin: germline.

Ambry Genetics
Classification: Uncertain significance. Last evaluated: 2024-07-19. Review status: criteria provided, single submitter. Criteria: Ambry Variant Classification Scheme 2023. Collection method: clinical testing. Allele origin: germline.